The following is an entry in ClinVar:

NM_001909.5(CTSD):c.653T>C (p.Leu218Pro)

Gene: CTSD (cathepsin D; minus strand). Cytogenetic location: 11p15.5.
Variant type: single nucleotide variant.
Coding change: c.653T>C on transcript NM_001909.5 (MANE Select); coding-DNA position 653, T replaced by C.
Protein change: p.Leu218Pro; replaces leucine 218 with proline.
Molecular consequence: missense variant.
Genome position (GRCh38, 1-based): chr11:1,757,375, A>G on the plus strand (T>C on the coding strand, the complement: CTSD is on the minus strand). VCF-style: chr11-1757375-A-G. GRCh37 (hg19) VCF-style: chr11-1778605-A-G.
Other names: short protein forms L218P.
Identifiers: ClinVar variation 430326 (VCV000430326.2), dbSNP rs1131691905, ClinGen allele CA379095930.

ClinVar aggregate classification (germline): Uncertain significance (1 of 4 stars; one submission).

Submission:

GeneDx
Classification: Uncertain significance. Last evaluated: 2017-05-22. Review status: criteria provided, single submitter. Criteria: GeneDx Variant Classification (06012015). Collection method: clinical testing. Allele origin: germline. Affected: yes.
Comment: A variant of uncertain significance has been identified in the CTSD gene. The L218P variant has not been published as a pathogenic variant, nor has it been reported as a benign variant to our knowledge. The L218P variant is not observed in large population cohorts (Lek et al., 2016; 1000 Genomes Consortium et al., 2015; Exome Variant Server). The L218P variant is a semi-conservative amino acid substitution, which may impact secondary protein structure as these residues differ in some properties. This substitution occurs at a position that is conserved in mammals, and in silico analysis predicts this variant is probably damaging to the protein structure/function. However, missense variants in nearby residues have not been reported in the Human Gene Mutation Database in association with KCNQ2-related disorders (Stenson et al., 2014). Therefore, based on the currently available information, it is unclear whether this variant is a pathogenic variant or a rare benign variant.